The following is an entry in ClinVar:

NM_138694.4(PKHD1):c.11178T>A (p.Asn3726Lys)

Gene: PKHD1 (PKHD1 ciliary IPT domain containing fibrocystin/polyductin; minus strand). Cytogenetic location: 6p12.3.
Variant type: single nucleotide variant.
Coding change: c.11178T>A on transcript NM_138694.4 (MANE Select); coding-DNA position 11178, T replaced by A.
Protein change: p.Asn3726Lys; replaces asparagine 3726 with lysine.
Molecular consequence: missense variant.
Genome position (GRCh38, 1-based): chr6:51,649,217, A>T on the plus strand (T>A on the coding strand, the complement: PKHD1 is on the minus strand). VCF-style: chr6-51649217-A-T. GRCh37 (hg19) VCF-style: chr6-51514015-A-T.
Other names: short protein forms N3726K.
Identifiers: ClinVar variation 2005950 (VCV002005950.4), dbSNP rs1363396060, ClinGen allele CA364426688.

ClinVar aggregate classification (germline): Uncertain significance (1 of 4 stars; one submission).

Conditions:
Autosomal recessive polycystic kidney disease (ARPKD). Also called: AR polycystic kidney disease. Identifiers: Orphanet 731, Orphanet 8378, MedGen C0085548, MeSH D017044, MONDO:0009889.

Submission:

Labcorp Genetics (formerly Invitae), Labcorp
Classification: Uncertain significance for Autosomal recessive polycystic kidney disease. Last evaluated: 2022-08-03. Review status: criteria provided, single submitter. Criteria: Invitae Variant Classification Sherloc (09022015). Collection method: clinical testing. Allele origin: germline.
Comment: In summary, the available evidence is currently insufficient to determine the role of this variant in disease. Therefore, it has been classified as a Variant of Uncertain Significance. This sequence change replaces asparagine, which is neutral and polar, with lysine, which is basic and polar, at codon 3726 of the PKHD1 protein (p.Asn3726Lys). This variant is not present in population databases (gnomAD no frequency). This variant has not been reported in the literature in individuals affected with PKHD1-related conditions. Advanced modeling of protein sequence and biophysical properties (such as structural, functional, and spatial information, amino acid conservation, physicochemical variation, residue mobility, and thermodynamic stability) performed at Invitae indicates that this missense variant is not expected to disrupt PKHD1 protein function.